The following is an entry in ClinVar:

ClinVar aggregate classification (germline): Uncertain significance (1 of 4 stars; one submission).

Conditions:
LAMA2-related muscular dystrophy (LAMA2-RD). Also called: Laminin alpha 2-related dystrophy. Identifiers: MedGen C5679788, MONDO:0100228.

Allele frequency attached by ClinVar (database versions not stated): gnomAD exomes below 0.00001.
gnomAD v4.1: 1 of 1,613,678 alleles (0.000062%); highest among the groups gnomAD compares: Middle Eastern, 0.017%; no homozygotes.

Submission:

Labcorp Genetics (formerly Invitae), Labcorp
Classification: Uncertain significance for LAMA2-related muscular dystrophy. Last evaluated: 2022-07-12. Review status: criteria provided, single submitter. Criteria: Invitae Variant Classification Sherloc (09022015). Collection method: clinical testing. Allele origin: germline.
Comment: This sequence change replaces threonine, which is neutral and polar, with serine, which is neutral and polar, at codon 1495 of the LAMA2 protein (p.Thr1495Ser). This variant is not present in population databases (gnomAD no frequency). This variant has not been reported in the literature in individuals affected with LAMA2-related conditions. Advanced modeling of protein sequence and biophysical properties (such as structural, functional, and spatial information, amino acid conservation, physicochemical variation, residue mobility, and thermodynamic stability) performed at Invitae indicates that this missense variant is not expected to disrupt LAMA2 protein function. In summary, the available evidence is currently insufficient to determine the role of this variant in disease. Therefore, it has been classified as a Variant of Uncertain Significance.

NM_000426.4(LAMA2):c.4483A>T (p.Thr1495Ser)

Gene: LAMA2 (laminin subunit alpha 2; plus strand). Cytogenetic location: 6q22.33.
Variant type: single nucleotide variant.
Coding change: c.4483A>T on transcript NM_000426.4 (MANE Select); coding-DNA position 4483, A replaced by T.
Protein change: p.Thr1495Ser; replaces threonine 1495 with serine.
Molecular consequence: missense variant.
Genome position (GRCh38, 1-based): chr6:129,349,344, A>T. VCF-style: chr6-129349344-A-T. GRCh37 (hg19) VCF-style: chr6-129670489-A-T.
Other names: c.4483A>T, p.Thr1495Ser (NM_001079823.2); short protein forms T1495S.
Identifiers: ClinVar variation 1988065 (VCV001988065.1), dbSNP rs1776732366, ClinGen allele CA365617466.